The following is an entry in ClinVar:

NM_018060.4(IARS2):c.157C>T (p.Pro53Ser)

Gene: IARS2 (isoleucyl-tRNA synthetase 2, mitochondrial; plus strand). Cytogenetic location: 1q41.
Variant type: single nucleotide variant.
Coding change: c.157C>T on transcript NM_018060.4 (MANE Select); coding-DNA position 157, C replaced by T.
Protein change: p.Pro53Ser; replaces proline 53 with serine.
Molecular consequence: missense variant.
Genome position (GRCh38, 1-based): chr1:220,094,373, C>T. VCF-style: chr1-220094373-C-T. GRCh37 (hg19) VCF-style: chr1-220267715-C-T.
Other names: c.157C>T (NM_018060.3); short protein forms P53S.
Identifiers: ClinVar variation 1928060 (VCV001928060.3), dbSNP rs1389135965, ClinGen allele CA344619503.

ClinVar aggregate classification (germline): Uncertain significance. Review status: criteria provided, multiple submitters, no conflicts (2 of 4 stars). 2 submissions from 2 submitters: Uncertain significance (2). Last evaluated 2024-03-18.

Conditions:
Inborn genetic diseases. Identifiers: MedGen C0950123, MeSH D030342.

Allele frequency attached by ClinVar (database versions not stated): gnomAD 0.00001; gnomAD exomes 0.00001; TOPMed 0.00004.
gnomAD v4.1: 7 of 1,613,040 alleles (0.00043%); highest among the groups gnomAD compares: Admixed American, 0.0083%; no homozygotes.

Submissions (2):

Ambry Genetics
Classification: Uncertain significance for Inborn genetic diseases. Last evaluated: 2024-03-18. Review status: criteria provided, single submitter. Criteria: Ambry Variant Classification Scheme 2023. Collection method: clinical testing. Allele origin: germline.

Labcorp Genetics (formerly Invitae), Labcorp
Classification: Uncertain significance. Last evaluated: 2022-07-19. Review status: criteria provided, single submitter. Criteria: Invitae Variant Classification Sherloc (09022015). Collection method: clinical testing. Allele origin: germline.
Comment: This sequence change replaces proline, which is neutral and non-polar, with serine, which is neutral and polar, at codon 53 of the IARS2 protein (p.Pro53Ser). This variant is present in population databases (no rsID available, gnomAD 0.009%). This variant has not been reported in the literature in individuals affected with IARS2-related conditions. Algorithms developed to predict the effect of missense changes on protein structure and function output the following: SIFT: "Tolerated"; PolyPhen-2: "Benign"; Align-GVGD: "Class C0". The serine amino acid residue is found in multiple mammalian species, which suggests that this missense change does not adversely affect protein function. In summary, the available evidence is currently insufficient to determine the role of this variant in disease. Therefore, it has been classified as a Variant of Uncertain Significance.